The following is an entry in ClinVar:

ClinVar aggregate classification (germline): Uncertain significance. Review status: criteria provided, multiple submitters, no conflicts (2 of 4 stars). 2 submissions from 2 submitters: Uncertain significance (2). Last evaluated 2022-02-24.

Conditions:
Salla disease (SD). Also called: Less Severe FSASD (Salla Disease); Sialuria, Finnish type; N-acetylneuraminic acid (NANA) storage disease (NSD); Infantile sialic acid storage disorder (ISSD). Identifiers: Orphanet 309334, Orphanet 834, MedGen C1096903, MONDO:0011449, OMIM 604369.

Allele frequency attached by ClinVar (database versions not stated): gnomAD exomes below 0.00001 and 0.00003; gnomAD 0.00001; TOPMed 0.00001; ExAC 0.00002.

Submissions (2):

Labcorp Genetics (formerly Invitae), Labcorp
Classification: Uncertain significance for Salla disease. Last evaluated: 2022-02-24. Review status: criteria provided, single submitter. Criteria: Invitae Variant Classification Sherloc (09022015). Collection method: clinical testing. Allele origin: germline.
Comment: This sequence change replaces isoleucine, which is neutral and non-polar, with threonine, which is neutral and polar, at codon 385 of the SLC17A5 protein (p.Ile385Thr). This variant is present in population databases (rs758772703, gnomAD 0.03%). This variant has not been reported in the literature in individuals affected with SLC17A5-related conditions. Algorithms developed to predict the effect of missense changes on protein structure and function (SIFT, PolyPhen-2, Align-GVGD) all suggest that this variant is likely to be tolerated. In summary, the available evidence is currently insufficient to determine the role of this variant in disease. Therefore, it has been classified as a Variant of Uncertain Significance.

Breakthrough Genomics
Classification: Uncertain significance. Review status: criteria provided, single submitter. Criteria: ACMG Guidelines, 2015. Collection method: not provided. Allele origin: germline. Inheritance: Autosomal recessive inheritance. Affected: yes.

NM_012434.5(SLC17A5):c.1154T>C (p.Ile385Thr)

Gene: SLC17A5 (solute carrier family 17 member 5; minus strand). Cytogenetic location: 6q13.
Variant type: single nucleotide variant.
Coding change: c.1154T>C on transcript NM_012434.5 (MANE Select); coding-DNA position 1154, T replaced by C.
Protein change: p.Ile385Thr; replaces isoleucine 385 with threonine.
Molecular consequence: missense variant.
Genome position (GRCh38, 1-based): chr6:73,610,505, A>G on the plus strand (T>C on the coding strand, the complement: SLC17A5 is on the minus strand). VCF-style: chr6-73610505-A-G. GRCh37 (hg19) VCF-style: chr6-74320228-A-G.
Other names: c.923T>C, p.Ile308Thr (NM_001382629.1); c.1154T>C, p.Ile385Thr (NM_001382630.1, NM_001382633.1); c.1175T>C, p.Ile392Thr (NM_001382631.1); c.1067T>C, p.Ile356Thr (NM_001382632.1); c.995T>C, p.Ile332Thr (NM_001382634.1); c.1151T>C, p.Ile384Thr (NM_001382635.1); c.836T>C, p.Ile279Thr (NM_001382636.1); short protein forms I308T, I385T, I392T, I384T, I279T, I332T, I356T.
Identifiers: ClinVar variation 1422882 (VCV001422882.6), dbSNP rs758772703, ClinGen allele CA3890333.